The following is an entry in ClinVar:

ClinVar aggregate classification (germline): Pathogenic. Review status: criteria provided, multiple submitters, no conflicts (2 of 4 stars). 3 submissions from 3 submitters: Pathogenic (3). Last evaluated 2025-08-26.

Conditions:
Hemochromatosis type 2A (HFE2A). Also called: Adult-Onset Hemochromatosis; HJV (HFE2)-Related Juvenile Hemochromatosis. Identifiers: Orphanet 79230, MedGen C1865614, MONDO:0011216, OMIM 602390.

Submissions (3):

Natera, Inc.
Classification: Pathogenic for Hemochromatosis type 2A. Last evaluated: 2025-08-26. Review status: criteria provided, single submitter. Criteria: Natera Variant Classification Schema (03/2026). Collection method: clinical testing. Allele origin: germline.
Comment: The c.220delG variant in HJV is a frameshift variant predicted to shift the reading frame beginning at codon 74 and leads to a stop codon 40 codons downstream. This variant is expected to result in nonsense mediated decay, truncation, or a dysfunctional protein product. This variant is rare in the general population with a frequency below the threshold expected for the associated phenotype(s). This variant has been observed in one or more individuals affected with the associated recessive disease, as either homozygous or compound heterozygous with a second variant (PMID: 14982873). Given the available evidence, this variant is classified as Pathogenic.

Labcorp Genetics (formerly Invitae), Labcorp
Classification: Pathogenic. Last evaluated: 2022-10-27. Review status: criteria provided, single submitter. Criteria: Invitae Variant Classification Sherloc (09022015). Collection method: clinical testing. Allele origin: germline.
Comment: This premature translational stop signal has been observed in individual(s) with juvenile hemochromatosis (PMID: 14982873). This variant is not present in population databases (gnomAD no frequency). ClinVar contains an entry for this variant (Variation ID: 646197). For these reasons, this variant has been classified as Pathogenic. This sequence change creates a premature translational stop signal (p.Val74Trpfs*40) in the HJV gene. It is expected to result in an absent or disrupted protein product. Loss-of-function variants in HJV are known to be pathogenic (PMID: 20301349, 22408404).

Fulgent Genetics
Classification: Pathogenic for Hemochromatosis type 2A. Last evaluated: 2022-02-07. Review status: criteria provided, single submitter. Criteria: ACMG Guidelines, 2015. Collection method: clinical testing. Allele origin: unknown.

Literature cited by the submitters: PubMed 14982873 (cited by Natera, Inc. and Labcorp Genetics (formerly Invitae), Labcorp); PubMed 20301349 (cited by Labcorp Genetics (formerly Invitae), Labcorp); PubMed 22408404 (cited by Labcorp Genetics (formerly Invitae), Labcorp).

NM_213653.4(HJV):c.220del (p.Val74fs)

Gene: HJV (hemojuvelin BMP co-receptor; minus strand). Cytogenetic location: 1q21.1.
Variant type: Deletion.
Coding change: c.220del on transcript NM_213653.4 (MANE Select); coding-DNA position 220, one base deleted (G; older notation c.220delG).
Protein change: p.Val74fs; shifts the reading frame from valine 74.
Molecular consequence: frameshift variant. On other transcripts: 5 prime UTR variant (1), intron variant (3).
Genome position (GRCh38, 1-based): chr1:146,019,612, C deleted on the plus strand (G on the coding strand, the reverse complement: HJV is on the minus strand); the first of 4 consecutive C bases (chr1:146,019,612-146,019,615); deleting any one gives the same sequence. VCF-style (leftmost placement, unchanged base first): chr1-146019611-AC-A. GRCh37 (hg19) VCF-style: chr1-145415397-AG-A.
Other names: c.220delG (NM_213653.3); c.220del, p.Val74fs (NM_001379352.1); c.-120del (NM_145277.5); c.-21-912del (NM_213652.4); c.-22+86del (NM_202004.4, NM_001316767.2); short protein forms V74fs.
Identifiers: ClinVar variation 646197 (VCV000646197.13), dbSNP rs1553769758, ClinGen allele CA526254034.